The following is an entry in ClinVar:

ClinVar aggregate classification (germline): Likely pathogenic (1 of 4 stars; one submission).

Conditions:
Familial dysautonomia. Also called: HSAN III; FD. Identifiers: Orphanet 1764, MedGen C0013364, MONDO:0009131, OMIM 223900. Disease mechanism: loss of function.

Submission:

Myriad Genetics, Inc.
Classification: Likely pathogenic for Familial dysautonomia. Last evaluated: 2022-02-25. Review status: criteria provided, single submitter. Criteria: Myriad Women's Health Autosomal Recessive and X-Linked Classification Criteria (2021). Collection method: clinical testing. Allele origin: unknown.
Comment: NM_003640.3(ELP1):c.496A>T(K166*) is expected to be pathogenic in the context of familial dysautonomia. This variant is predicted to lead to an abnormal or absent protein product due to the creation of a premature termination codon in ELP1, a gene where loss-of-function variants are known to be pathogenic. Please note: this variant was assessed in the context of healthy population screening.

NM_003640.5(ELP1):c.496A>T (p.Lys166Ter)

Gene: ELP1 (elongator acetyltransferase complex subunit 1; minus strand). Cytogenetic location: 9q31.3.
Variant type: single nucleotide variant.
Coding change: c.496A>T on transcript NM_003640.5 (MANE Select); coding-DNA position 496, A replaced by T.
Protein change: p.Lys166Ter; replaces lysine 166 with a stop codon.
Molecular consequence: nonsense. On other transcripts: 5 prime UTR variant (1).
Genome position (GRCh38, 1-based): chr9:108,922,898, T>A on the plus strand (A>T on the coding strand, the complement: ELP1 is on the minus strand). VCF-style: chr9-108922898-T-A. GRCh37 (hg19) VCF-style: chr9-111685178-T-A.
Other names: c.154A>T, p.Lys52Ter (NM_001318360.2); c.-364A>T (NM_001330749.2); short protein forms K166*, K52*.
Identifiers: ClinVar variation 1724699 (VCV001724699.2), dbSNP rs2537949878, ClinGen allele CA374389439.
Genomic context (GRCh38, chr9:108,922,898, plus strand): 5'-TTACCATTTGCATCTGAAAAGCTGCTTGTCTGCCTTCTGATCCATGGAACTGTGTCTCCT[T>A]CCTACCCCATCCAACAGTGATAAACTTGCCTACAGAACAATTGGCAAGACAACTAATAAG-3'